The following is an entry in ClinVar:

NM_000632.4(ITGAM):c.1499G>A (p.Arg500Lys)

Gene: ITGAM (integrin subunit alpha M; plus strand). Cytogenetic location: 16p11.2.
Variant type: single nucleotide variant.
Coding change: c.1499G>A on transcript NM_000632.4 (MANE Select); coding-DNA position 1499, G replaced by A.
Protein change: p.Arg500Lys; replaces arginine 500 with lysine.
Molecular consequence: missense variant.
Genome position (GRCh38, 1-based): chr16:31,297,746, G>A. VCF-style: chr16-31297746-G-A. GRCh37 (hg19) VCF-style: chr16-31309067-G-A.
Other names: c.1502G>A, p.Arg501Lys (NM_001145808.2); short protein forms R500K, R501K.
Identifiers: ClinVar variation 1383102 (VCV001383102.8), dbSNP rs777749828, ClinGen allele CA8025590.

ClinVar aggregate classification (germline): Uncertain significance (1 of 4 stars; one submission).

Allele frequency attached by ClinVar (database versions not stated): ExAC 0.00001; gnomAD exomes 0.00001 and 0.00002; TOPMed 0.00001.
gnomAD v4.1: 4 of 1,594,974 alleles (0.00025%); highest among the groups gnomAD compares: Admixed American, 0.0055%; no homozygotes.

Submission:

Labcorp Genetics (formerly Invitae), Labcorp
Classification: Uncertain significance. Last evaluated: 2024-10-21. Review status: criteria provided, single submitter. Criteria: Invitae Variant Classification Sherloc (09022015). Collection method: clinical testing. Allele origin: germline.
Comment: This sequence change replaces arginine, which is basic and polar, with lysine, which is basic and polar, at codon 500 of the ITGAM protein (p.Arg500Lys). This variant is present in population databases (rs777749828, gnomAD 0.01%). This variant has not been reported in the literature in individuals affected with ITGAM-related conditions. ClinVar contains an entry for this variant (Variation ID: 1383102). An algorithm developed to predict the effect of missense changes on protein structure and function (PolyPhen-2) suggests that this variant is likely to be tolerated. In summary, the available evidence is currently insufficient to determine the role of this variant in disease. Therefore, it has been classified as a Variant of Uncertain Significance.